The following is an entry in ClinVar:

ClinVar aggregate classification (germline): Likely benign. Review status: criteria provided, multiple submitters, no conflicts (2 of 4 stars). 3 submissions from 3 submitters: Likely benign (3). Last evaluated 2026-06-24.

Conditions:
ATL3-related disorder. Also called: ATL3-related condition.
Neuropathy, hereditary sensory, type 1F. Also called: HSN IF; Hereditary sensory neuropathy type IF. Identifiers: Orphanet 36386, MedGen C3810194, MONDO:0014286, OMIM 615632.

gnomAD v4.1: 5 of 1,593,864 alleles (0.00031%); highest among the groups gnomAD compares: African/African-American, 0.0013%; no homozygotes.

Submissions (3):

PreventionGenetics, part of Exact Sciences
Classification: Likely benign for ATL3-related condition. Last evaluated: 2026-06-24. Review status: criteria provided, single submitter. Criteria: ACMG Guidelines, 2015. Collection method: clinical testing. Allele origin: germline.
Comment: This variant is classified as likely benign based on ACMG/AMP sequence variant interpretation guidelines (Richards et al. 2015 PMID: 25741868, with internal and published modifications).

Labcorp Genetics (formerly Invitae), Labcorp
Classification: Likely benign for Neuropathy, hereditary sensory, type 1F. Last evaluated: 2024-08-04. Review status: criteria provided, single submitter. Criteria: Invitae Variant Classification Sherloc (09022015). Collection method: clinical testing. Allele origin: germline.

Blueprint Genetics
Classification: Likely benign. Last evaluated: 2023-07-03. Review status: criteria provided, single submitter. Criteria: ACMG Guidelines, 2015. Collection method: clinical testing. Allele origin: germline.

NM_015459.5(ATL3):c.1539+10G>A

Genes: ATL3 (atlastin GTPase 3; minus strand), LNCROPM (lncRNA regulator of PLAAT3 mediated phospholipid metabolism; plus strand). Cytogenetic location: 11q13.1.
Variant type: single nucleotide variant.
Coding change: c.1539+10G>A on transcript NM_015459.5 (MANE Select); 10 bases into the intron after coding-DNA position 1539, G replaced by A.
Molecular consequence: intron variant.
Genome position (GRCh38, 1-based): chr11:63,631,030, C>T on the plus strand (G>A on the coding strand, the complement: ATL3 is on the minus strand). VCF-style: chr11-63631030-C-T. GRCh37 (hg19) VCF-style: chr11-63398502-C-T.
Other names: c.1539+10G>A (NM_015459.4); c.1485+10G>A (NM_001290048.2).
Identifiers: ClinVar variation 3717673 (VCV003717673.4).